The following is an entry in ClinVar:

ClinVar aggregate classification (germline): Uncertain significance (1 of 4 stars; one submission).

Conditions:
Generalized epilepsy-paroxysmal dyskinesia syndrome (PNKD3). Also called: Generalized epilepsy and paroxysmal dyskinesia; Paroxysmal nonkinesigenic dyskinesia, 3, with or without generalized epilepsy. Identifiers: Orphanet 79137, MedGen C5574945, MONDO:0012276, OMIM 609446.

gnomAD v4.1: 1 of 1,614,060 alleles (0.000062%); highest among the groups gnomAD compares: Non-Finnish European, 0.000085%; no homozygotes.

Submission:

Labcorp Genetics (formerly Invitae), Labcorp
Classification: Uncertain significance for Generalized epilepsy-paroxysmal dyskinesia syndrome. Last evaluated: 2019-08-22. Review status: criteria provided, single submitter. Criteria: Invitae Variant Classification Sherloc (09022015). Collection method: clinical testing. Allele origin: germline.
Comment: This sequence change replaces glycine with arginine at codon 1125 of the KCNMA1 protein (p.Gly1125Arg). The glycine residue is moderately conserved and there is a moderate physicochemical difference between glycine and arginine. This variant is not present in population databases (ExAC no frequency). This variant has not been reported in the literature in individuals with KCNMA1-related conditions. Algorithms developed to predict the effect of missense changes on protein structure and function are either unavailable or do not agree on the potential impact of this missense change (SIFT: "Deleterious"; PolyPhen-2: "Probably Damaging"; Align-GVGD: "Class C0"). In summary, the available evidence is currently insufficient to determine the role of this variant in disease. Therefore, it has been classified as a Variant of Uncertain Significance.

NM_001161352.2(KCNMA1):c.3547G>C (p.Gly1183Arg)

Gene: KCNMA1 (potassium calcium-activated channel subfamily M alpha 1; minus strand). Cytogenetic location: 10q22.3.
Variant type: single nucleotide variant.
Coding change: c.3547G>C on transcript NM_001161352.2 (MANE Select); coding-DNA position 3547, G replaced by C.
Protein change: p.Gly1183Arg; replaces glycine 1183 with arginine.
Molecular consequence: missense variant.
Genome position (GRCh38, 1-based): chr10:76,887,430, C>G on the plus strand (G>C on the coding strand, the complement: KCNMA1 is on the minus strand). VCF-style: chr10-76887430-C-G. GRCh37 (hg19) VCF-style: chr10-78647188-C-G.
Other names: c.3385G>C, p.Gly1129Arg (NM_001014797.3); c.3496G>C, p.Gly1166Arg (NM_001161353.2); c.3223G>C, p.Gly1075Arg (NM_001271518.2); c.3463G>C, p.Gly1155Arg (NM_001271519.2); c.3382G>C, p.Gly1128Arg (NM_001322829.2, NM_001322836.2); c.3475G>C, p.Gly1159Arg (NM_001322830.2); c.3373G>C, p.Gly1125Arg (NM_001322832.2, NM_002247.4); c.3466G>C, p.Gly1156Arg (NM_001322835.2, NM_001322837.2); and 1 more; short protein forms G1159R, G1166R, G1128R, G1129R, G1183R, G1075R, G1155R, G1156R.
Identifiers: ClinVar variation 934372 (VCV000934372.10), dbSNP rs549360933, ClinGen allele CA377402780.